The following is an entry in ClinVar:

NM_144668.6(CFAP251):c.2608G>T (p.Val870Leu)

Gene: CFAP251 (cilia and flagella associated protein 251; plus strand). Cytogenetic location: 12q24.31.
Variant type: single nucleotide variant.
Coding change: c.2608G>T on transcript NM_144668.6 (MANE Select); coding-DNA position 2608, G replaced by T.
Protein change: p.Val870Leu; replaces valine 870 with leucine.
Molecular consequence: missense variant.
Genome position (GRCh38, 1-based): chr12:121,968,006, G>T. VCF-style: chr12-121968006-G-T. GRCh37 (hg19) VCF-style: chr12-122405912-G-T.
Other names: NC_000012.11:g.122405912G>T; c.2608G>T, p.Val870Leu (NM_001178003.2); short protein forms V870L.
Identifiers: ClinVar variation 3060851 (VCV003060851.3), dbSNP rs1169081, ClinGen allele CA6840937.
Genomic context (GRCh38, chr12:121,968,006, plus strand): 5'-CAGGCCTCTCTCGGGCCCAGCTACCTGAGTCTGAATATCCAATTATGTGTTCCTTTCTAG[G>T]TGGGACTTCAGATCTTACCAGTTGACGGCAATCCACATAAGACATCTGCTATTGTTTGCC-3'
Protein context (NP_653269.3, residues 860-880): RYLVFINRDK[Val870Leu]GLQILPVDGN

ClinVar aggregate classification (germline): Benign (0 of 4 stars; one submission).

Conditions:
CFAP251-related disorder. Also called: CFAP251-related condition.

Allele frequency attached by ClinVar (database versions not stated): gnomAD 0.26578; 1000 Genomes Project 30x 0.28467; ExAC 0.32459; ESP Exome Variant Server 0.24000; TOPMed 0.25925; 1000 Genomes Project 0.29433; gnomAD exomes 0.30149.
gnomAD v4.1: 475,899 of 1,594,770 alleles (30%); highest among the groups gnomAD compares: East Asian, 48%; 74,452 homozygotes.

Submissions (10):

PreventionGenetics, part of Exact Sciences
Classification: Benign for CFAP251-related condition. Last evaluated: 2019-10-18. Review status: no assertion criteria provided. Collection method: clinical testing. Allele origin: germline.
Comment: This variant is classified as benign based on ACMG/AMP sequence variant interpretation guidelines (Richards et al. 2015 PMID: 25741868, with internal and published modifications).

Dr. Peter K. Rogan Lab, Western University
No classification provided (evidence only). Condition: Squamous cell carcinoma of the head and neck. Review status: no classification provided. Collection method: in vitro. Allele origin: not applicable. Functional consequence: retained intron. Not counted in ClinVar's aggregate classification.

Dr. Peter K. Rogan Lab, Western University
No classification provided (evidence only). Condition: Uterine carcinosarcoma. Review status: no classification provided. Collection method: in vitro. Allele origin: not applicable. Functional consequence: retained intron. Not counted in ClinVar's aggregate classification.

Dr. Peter K. Rogan Lab, Western University
No classification provided (evidence only). Condition: Uterine carcinosarcoma. Review status: no classification provided. Collection method: in vitro. Allele origin: not applicable. Functional consequence: retained intron. Not counted in ClinVar's aggregate classification.

Dr. Peter K. Rogan Lab, Western University
No classification provided (evidence only). Condition: Uterine carcinosarcoma. Review status: no classification provided. Collection method: in vitro. Allele origin: not applicable. Functional consequence: retained intron. Not counted in ClinVar's aggregate classification.

Dr. Peter K. Rogan Lab, Western University
No classification provided (evidence only). Condition: Uterine carcinosarcoma. Review status: no classification provided. Collection method: in vitro. Allele origin: not applicable. Functional consequence: retained intron. Not counted in ClinVar's aggregate classification.

Dr. Peter K. Rogan Lab, Western University
No classification provided (evidence only). Condition: Uterine carcinosarcoma. Review status: no classification provided. Collection method: in vitro. Allele origin: not applicable. Functional consequence: retained intron. Not counted in ClinVar's aggregate classification.

Dr. Peter K. Rogan Lab, Western University
No classification provided (evidence only). Condition: Uterine carcinosarcoma. Review status: no classification provided. Collection method: in vitro. Allele origin: not applicable. Functional consequence: retained intron. Not counted in ClinVar's aggregate classification.

Dr. Peter K. Rogan Lab, Western University
No classification provided (evidence only). Condition: Uterine carcinosarcoma. Review status: no classification provided. Collection method: in vitro. Allele origin: not applicable. Functional consequence: retained intron. Not counted in ClinVar's aggregate classification.

Dr. Peter K. Rogan Lab, Western University
No classification provided (evidence only). Condition: Uterine carcinosarcoma. Review status: no classification provided. Collection method: in vitro. Allele origin: not applicable. Functional consequence: retained intron. Not counted in ClinVar's aggregate classification.